The following is an entry in ClinVar:

NM_001709.5(BDNF):c.-21-15523_-21-15522del

Genes: BDNF (brain derived neurotrophic factor; minus strand), BDNF-AS (BDNF antisense RNA; plus strand). Cytogenetic location: 11p14.1.
Variant type: Deletion.
Coding change: c.-21-15523_-21-15522del on transcript NM_001709.5 (MANE Select); 15523 bases into the intron before 21 bases upstream of the start codon through 15522 bases into the intron before 21 bases upstream of the start codon, 2 bases deleted (CG; older notation c.-21-15523_-21-15522delCG).
Molecular consequence: intron variant. On other transcripts: frameshift variant (1), 5 prime UTR variant (1).
Genome position (GRCh38, 1-based): chr11:27,674,107-27,674,108, CG deleted on the plus strand (CG on the coding strand, the reverse complement: BDNF is on the minus strand). VCF-style (leftmost placement, unchanged base first): chr11-27674106-ACG-A. GRCh37 (hg19) VCF-style: chr11-27695653-ACG-A.
Other names: c.177_178del, p.Val60fs (NM_001143810.2); c.-187_-186del (NM_001143811.2); c.4-15523_4-15522del (NM_170731.5); c.-21-15523_-21-15522del (NM_001143805.1, NM_001143806.1, NM_170732.4 and 5 more transcripts); c.67-15523_67-15522del (NM_001143809.2); c.-128-15182_-128-15181del (NM_001143814.2); c.25-15523_25-15522del (NM_170734.4); short protein forms V60fs.
Identifiers: ClinVar variation 4979109 (VCV004979109.1).

ClinVar aggregate classification (germline): Uncertain significance (1 of 4 stars; one submission).

Conditions:
BDNF-related disorder. Also called: BDNF-related condition.

Submission:

PreventionGenetics, part of Exact Sciences
Classification: Uncertain significance for BDNF-related condition. Last evaluated: 2025-01-06. Review status: criteria provided, single submitter. Criteria: ACMG Guidelines, 2015. Collection method: clinical testing. Allele origin: germline.
Comment: The BDNF c.177_178delCG variant is predicted to result in a frameshift and premature protein termination (p.Val60Phefs*5). In the primary transcript listed in Human Gene Mutation Database (NM_170734) this variant is defined as c.25-15523_25-15522delCG (intronic). To our knowledge, this variant has not been reported in the literature or in a large population database (gnomAD), indicating this variant is rare. At this time, the clinical significance of this variant is uncertain due to the absence of conclusive functional and genetic evidence.